The following is an entry in ClinVar:

NM_005592.4(MUSK):c.788A>C (p.Asp263Ala)

Gene: MUSK (muscle associated receptor tyrosine kinase; plus strand). Cytogenetic location: 9q31.3.
Variant type: single nucleotide variant.
Coding change: c.788A>C on transcript NM_005592.4 (MANE Select); coding-DNA position 788, A replaced by C.
Protein change: p.Asp263Ala; replaces aspartic acid 263 with alanine.
Molecular consequence: missense variant. On other transcripts: 5 prime UTR variant (1).
Genome position (GRCh38, 1-based): chr9:110,747,675, A>C. VCF-style: chr9-110747675-A-C. GRCh37 (hg19) VCF-style: chr9-113509955-A-C.
Other names: c.788A>C, p.Asp263Ala (NM_001166281.2); c.-449A>C (NM_001369398.1); c.818A>C, p.Asp273Ala (NM_001166280.2); short protein forms D263A, D273A.
Identifiers: ClinVar variation 1446273 (VCV001446273.5), dbSNP rs1187474550, ClinGen allele CA374668197.

ClinVar aggregate classification (germline): Uncertain significance (1 of 4 stars; one submission).

Conditions:
Fetal akinesia deformation sequence 1 (FADS1). Also called: Pena-Shokeir syndrome type I; Fetal akinesia sequence. Identifiers: Orphanet 994, MedGen C1276035, MONDO:0100101, OMIM 208150, HP:0001989.
Congenital myasthenic syndrome 9. Also called: Myasthenic syndrome, congenital, 9, associated with acetylcholine receptor deficiency. Identifiers: Orphanet 590, MedGen C4225368, MONDO:0014587, OMIM 616325.

Allele frequency attached by ClinVar (database versions not stated): gnomAD exomes below 0.00001 and 0.00001; gnomAD 0.00001.
gnomAD v4.1: 3 of 1,613,692 alleles (0.00019%); highest among the groups gnomAD compares: African/African-American, 0.004%; no homozygotes.

Submission:

Labcorp Genetics (formerly Invitae), Labcorp
Classification: Uncertain significance for Congenital myasthenic syndrome 9; Fetal akinesia deformation sequence 1. Last evaluated: 2022-07-18. Review status: criteria provided, single submitter. Criteria: Invitae Variant Classification Sherloc (09022015). Collection method: clinical testing. Allele origin: germline.
Comment: This sequence change replaces aspartic acid, which is acidic and polar, with alanine, which is neutral and non-polar, at codon 263 of the MUSK protein (p.Asp263Ala). This variant is present in population databases (no rsID available, gnomAD 0.01%). This variant has not been reported in the literature in individuals affected with MUSK-related conditions. ClinVar contains an entry for this variant (Variation ID: 1446273). Advanced modeling of protein sequence and biophysical properties (such as structural, functional, and spatial information, amino acid conservation, physicochemical variation, residue mobility, and thermodynamic stability) performed at Invitae indicates that this missense variant is not expected to disrupt MUSK protein function. In summary, the available evidence is currently insufficient to determine the role of this variant in disease. Therefore, it has been classified as a Variant of Uncertain Significance.